The following is an entry in ClinVar:

NM_025077.4(TOE1):c.758G>A (p.Arg253Gln)

Gene: TOE1 (target of EGR1, exonuclease; plus strand). Cytogenetic location: 1p34.1.
Variant type: single nucleotide variant.
Coding change: c.758G>A on transcript NM_025077.4 (MANE Select); coding-DNA position 758, G replaced by A.
Protein change: p.Arg253Gln; replaces arginine 253 with glutamine.
Molecular consequence: missense variant.
Genome position (GRCh38, 1-based): chr1:45,342,848, G>A. VCF-style: chr1-45342848-G-A. GRCh37 (hg19) VCF-style: chr1-45808520-G-A.
Other names: short protein forms R253Q.
Identifiers: ClinVar variation 4822679 (VCV004822679.4).

ClinVar aggregate classification (germline): Uncertain significance (1 of 4 stars; one submission).

gnomAD v4.1: 7 of 1,613,974 alleles (0.00043%); highest among the groups gnomAD compares: East Asian, 0.0022%; no homozygotes.

Submission:

CeGaT Center for Human Genetics Tuebingen
Classification: Uncertain significance. Last evaluated: 2026-02-01. Review status: criteria provided, single submitter. Criteria: CeGaT Center For Human Genetics Tuebingen Variant Classification Criteria Version 2. Collection method: clinical testing. Allele origin: germline. Affected: yes. Observed: 1 variant allele.
Comment: TOE1: PM2